The following is an entry in ClinVar:

ClinVar aggregate classification (germline): Uncertain significance. Review status: criteria provided, multiple submitters, no conflicts (2 of 4 stars). 2 submissions from 2 submitters: Uncertain significance (2). Last evaluated 2026-01-28.

Conditions:
Inborn genetic diseases. Identifiers: MedGen C0950123, MeSH D030342.

Allele frequency attached by ClinVar (database versions not stated): TOPMed 0.00011; ESP Exome Variant Server 0.00031.
gnomAD v4.1: 41 of 1,613,106 alleles (0.0025%); highest among the groups gnomAD compares: African/African-American, 0.028%; no homozygotes.

Submissions (2):

Labcorp Genetics (formerly Invitae), Labcorp
Classification: Uncertain significance. Last evaluated: 2026-01-28. Review status: criteria provided, single submitter. Criteria: Invitae Variant Classification Sherloc (09022015). Collection method: clinical testing. Allele origin: germline.
Comment: This sequence change replaces valine, which is neutral and non-polar, with phenylalanine, which is neutral and non-polar, at codon 1032 of the ALPK1 protein (p.Val1032Phe). The frequency data for this variant in the population databases is considered unreliable, as metrics indicate poor data quality at this position in the gnomAD database. This variant has not been reported in the literature in individuals affected with ALPK1-related conditions. ClinVar contains an entry for this variant (Variation ID: 2200858). Invitae Evidence Modeling of protein sequence and biophysical properties (such as structural, functional, and spatial information, amino acid conservation, physicochemical variation, residue mobility, and thermodynamic stability) indicates that this missense variant is expected to disrupt ALPK1 protein function with a positive predictive value of 80%. In summary, the available evidence is currently insufficient to determine the role of this variant in disease. Therefore, it has been classified as a Variant of Uncertain Significance.

Ambry Genetics
Classification: Uncertain significance for Inborn genetic diseases. Last evaluated: 2024-11-13. Review status: criteria provided, single submitter. Criteria: Ambry Variant Classification Scheme 2023. Collection method: clinical testing. Allele origin: germline.

NM_025144.4(ALPK1):c.3094G>T (p.Val1032Phe)

Gene: ALPK1 (alpha kinase 1; plus strand). Cytogenetic location: 4q25.
Variant type: single nucleotide variant.
Coding change: c.3094G>T on transcript NM_025144.4 (MANE Select); coding-DNA position 3094, G replaced by T.
Protein change: p.Val1032Phe; replaces valine 1032 with phenylalanine.
Molecular consequence: missense variant.
Genome position (GRCh38, 1-based): chr4:112,435,207, G>T. VCF-style: chr4-112435207-G-T. GRCh37 (hg19) VCF-style: chr4-113356363-G-T.
Other names: c.3094G>T (NM_025144.3); c.3094G>T, p.Val1032Phe (NM_001102406.2); c.2860G>T, p.Val954Phe (NM_001253884.2); short protein forms V1032F, V954F.
Identifiers: ClinVar variation 2200858 (VCV002200858.6), dbSNP rs139190227, ClinGen allele CA3047086.